The following is an entry in ClinVar:

ClinVar aggregate classification (germline): Benign. Review status: criteria provided, multiple submitters, no conflicts (2 of 4 stars). 3 submissions from 2 submitters: Benign (3). Last evaluated 2018-01-13.

Conditions:
Short-rib thoracic dysplasia 7 with or without polydactyly (SRTD7). Also called: SHORT-RIB THORACIC DYSPLASIA 7 WITH POLYDACTYLY; Short rib polydactyly syndrome 5. Identifiers: Orphanet 498497, Orphanet 93271, MedGen C3279792, MONDO:0013569, OMIM 614091.
Cranioectodermal dysplasia 2 (CED2). Identifiers: Orphanet 1515, MedGen C3150874, MONDO:0013323, OMIM 613610.

Allele frequency attached by ClinVar (database versions not stated): gnomAD 0.00116; TOPMed 0.00153; 1000 Genomes Project 0.00559.

Submissions (3):

Illumina Laboratory Services, Illumina
Classification: Benign for Cranioectodermal dysplasia 2. Last evaluated: 2018-01-13. Review status: criteria provided, single submitter. Criteria: ICSL Variant Classification Criteria 13 December 2019. Collection method: clinical testing. Allele origin: germline.
Comment: This variant was observed in the ICSL laboratory as part of a predisposition screen in an ostensibly healthy population. It had not been previously curated by ICSL or reported in the Human Gene Mutation Database (HGMD: prior to June 1st, 2018), and was therefore a candidate for classification through an automated scoring system. Utilizing variant allele frequency, disease prevalence and penetrance estimates, and inheritance mode, an automated score was calculated to assess if this variant is too frequent to cause the disease. Based on the score and internal cut-off values, a variant classified as benign is not then subjected to further curation. The score for this variant resulted in a classification of benign for this disease.

Illumina Laboratory Services, Illumina
Classification: Benign for Short-rib thoracic dysplasia 7 with or without polydactyly. Last evaluated: 2018-01-13. Review status: criteria provided, single submitter. Criteria: ICSL Variant Classification Criteria 13 December 2019. Collection method: clinical testing. Allele origin: germline.
Comment: the same text as in the submission from Illumina Laboratory Services, Illumina above.

Breakthrough Genomics
Classification: Benign. Review status: criteria provided, single submitter. Criteria: ACMG Guidelines, 2015. Collection method: not provided. Allele origin: germline. Inheritance: Autosomal recessive inheritance. Affected: yes.

NM_020779.4(WDR35):c.*2622A>G

Gene: WDR35 (WD repeat domain 35; minus strand). Cytogenetic location: 2p24.1.
Variant type: single nucleotide variant.
Coding change: c.*2622A>G on transcript NM_020779.4 (MANE Select); 2622 bases downstream of the stop codon, A replaced by G.
Molecular consequence: 3 prime UTR variant.
Genome position (GRCh38, 1-based): chr2:19,910,936, T>C on the plus strand (A>G on the coding strand, the complement: WDR35 is on the minus strand). VCF-style: chr2-19910936-T-C. GRCh37 (hg19) VCF-style: chr2-20110697-T-C.
Other names: c.*2622A>G (NM_001006657.2).
Identifiers: ClinVar variation 333332 (VCV000333332.6), dbSNP rs558837510, ClinGen allele CA10613662.